The following is an entry in ClinVar:

NM_198576.4(AGRN):c.1612G>A (p.Gly538Arg)

Gene: AGRN (agrin; plus strand). Cytogenetic location: 1p36.33.
Variant type: single nucleotide variant.
Coding change: c.1612G>A on transcript NM_198576.4 (MANE Select); coding-DNA position 1612, G replaced by A.
Protein change: p.Gly538Arg; replaces glycine 538 with arginine.
Molecular consequence: missense variant.
Genome position (GRCh38, 1-based): chr1:1,043,546, G>A. VCF-style: chr1-1043546-G-A. GRCh37 (hg19) VCF-style: chr1-978926-G-A.
Other names: c.1612G>A, p.Gly538Arg (NM_001305275.2); c.1297G>A, p.Gly433Arg (NM_001364727.2); short protein forms G433R, G538R.
Identifiers: ClinVar variation 659171 (VCV000659171.7), dbSNP rs558214372, ClinGen allele CA508272.
Genomic context (GRCh38, chr1:1,043,546, plus strand): 5'-GGTCGGGGAGAGAGAGGTTCCTGGTCGCCTGGTGATGGAAGCTCCTCCCCAGACCGCTGC[G>A]GGCAGTGCCGCTTTGGAGCCCTGTGCGAGGCCGAGACCGGGCGCTGCGTGTGCCCCTCTG-3'
Protein context (NP_940978.2, residues 528-548): VARKGPCDRC[Gly538Arg]QCRFGALCEA

ClinVar aggregate classification (germline): Uncertain significance. Review status: criteria provided, multiple submitters, no conflicts (2 of 4 stars). 2 submissions from 2 submitters: Uncertain significance (2). Last evaluated 2025-10-10.

Conditions:
AGRN-related disorder. Also called: AGRN-related condition.
Congenital myasthenic syndrome 8. Also called: Myasthenic syndrome, congenital, 8, with pre- and postsynaptic defects; MYASTHENIC SYNDROME, CONGENITAL, DUE TO AGRIN DEFICIENCY. Identifiers: Orphanet 590, MedGen C3808739, MONDO:0014052, OMIM 615120.

Allele frequency attached by ClinVar (database versions not stated): gnomAD 0.00001; TOPMed 0.00001; ExAC 0.00003; gnomAD exomes 0.00003; 1000 Genomes Project 30x 0.00031; 1000 Genomes Project 0.00040.
gnomAD v4.1: 25 of 1,604,388 alleles (0.0016%); highest among the groups gnomAD compares: Admixed American, 0.005%; no homozygotes.

Submissions (2):

PreventionGenetics, part of Exact Sciences
Classification: Uncertain significance for AGRN-related condition. Last evaluated: 2025-10-10. Review status: criteria provided, single submitter. Criteria: ACMG Guidelines, 2015. Collection method: clinical testing. Allele origin: germline.
Comment: The AGRN c.1612G>A variant is predicted to result in the amino acid substitution p.Gly538Arg. To our knowledge, this variant has not been reported in the literature. This variant is reported in 0.0087% of alleles in individuals of Latino descent in gnomAD. At this time, the clinical significance of this variant is uncertain due to the absence of conclusive functional and genetic evidence.

Labcorp Genetics (formerly Invitae), Labcorp
Classification: Uncertain significance for Congenital myasthenic syndrome 8. Last evaluated: 2022-06-20. Review status: criteria provided, single submitter. Criteria: Invitae Variant Classification Sherloc (09022015). Collection method: clinical testing. Allele origin: germline.
Comment: This sequence change replaces glycine, which is neutral and non-polar, with arginine, which is basic and polar, at codon 538 of the AGRN protein (p.Gly538Arg). This variant is present in population databases (rs558214372, gnomAD 0.009%). This variant has not been reported in the literature in individuals affected with AGRN-related conditions. ClinVar contains an entry for this variant (Variation ID: 659171). Algorithms developed to predict the effect of missense changes on protein structure and function are either unavailable or do not agree on the potential impact of this missense change (SIFT: "Deleterious"; PolyPhen-2: "Probably Damaging"; Align-GVGD: "Class C0"). Algorithms developed to predict the effect of sequence changes on RNA splicing suggest that this variant may create or strengthen a splice site. In summary, the available evidence is currently insufficient to determine the role of this variant in disease. Therefore, it has been classified as a Variant of Uncertain Significance.